The following is an entry in ClinVar:

NM_001572.5(IRF7):c.416C>T (p.Thr139Ile)

Gene: IRF7 (interferon regulatory factor 7; minus strand). Cytogenetic location: 11p15.5.
Variant type: single nucleotide variant.
Coding change: c.416C>T on transcript NM_001572.5 (MANE Select); coding-DNA position 416, C replaced by T.
Protein change: p.Thr139Ile; replaces threonine 139 with isoleucine.
Molecular consequence: missense variant.
Genome position (GRCh38, 1-based): chr11:614,513, G>A on the plus strand (C>T on the coding strand, the complement: IRF7 is on the minus strand). VCF-style: chr11-614513-G-A. GRCh37 (hg19) VCF-style: chr11-614513-G-A.
Other names: c.416C>T, p.Thr139Ile (NM_004029.4); c.455C>T, p.Thr152Ile (NM_004031.4); short protein forms T152I, T139I.
Identifiers: ClinVar variation 3673723 (VCV003673723.2).

ClinVar aggregate classification (germline): Uncertain significance (1 of 4 stars; one submission).

Conditions:
Immunodeficiency 39 (IMD39). Identifiers: Orphanet 574918, MedGen C4225358, MONDO:0014597, OMIM 616345.

Submission:

Labcorp Genetics (formerly Invitae), Labcorp
Classification: Uncertain significance for Immunodeficiency 39. Last evaluated: 2024-07-15. Review status: criteria provided, single submitter. Criteria: Invitae Variant Classification Sherloc (09022015). Collection method: clinical testing. Allele origin: germline.
Comment: This sequence change replaces threonine, which is neutral and polar, with isoleucine, which is neutral and non-polar, at codon 152 of the IRF7 protein (p.Thr152Ile). This variant is not present in population databases (gnomAD no frequency). This variant has not been reported in the literature in individuals affected with IRF7-related conditions. Advanced modeling of protein sequence and biophysical properties (such as structural, functional, and spatial information, amino acid conservation, physicochemical variation, residue mobility, and thermodynamic stability) performed at Invitae indicates that this missense variant is not expected to disrupt IRF7 protein function with a negative predictive value of 80%. In summary, the available evidence is currently insufficient to determine the role of this variant in disease. Therefore, it has been classified as a Variant of Uncertain Significance.